The following is an entry in ClinVar:

NM_014467.3(SRPX2):c.1129A>G (p.Thr377Ala)

Gene: SRPX2 (sushi repeat containing protein X-linked 2; plus strand). Cytogenetic location: Xq22.1.
Variant type: single nucleotide variant.
Coding change: c.1129A>G on transcript NM_014467.3 (MANE Select); coding-DNA position 1129, A replaced by G.
Protein change: p.Thr377Ala; replaces threonine 377 with alanine.
Molecular consequence: missense variant.
Genome position (GRCh38, 1-based): chrX:100,669,281, A>G. VCF-style: chrX-100669281-A-G. GRCh37 (hg19) VCF-style: chrX-99924278-A-G.
Other names: c.1129A>G (NM_014467.2); short protein forms T377A.
Identifiers: ClinVar variation 1013627 (VCV001013627.10), dbSNP rs1355036934, ClinGen allele CA413915540.

ClinVar aggregate classification (germline): Uncertain significance. Review status: criteria provided, multiple submitters, no conflicts (2 of 4 stars). 2 submissions from 2 submitters: Uncertain significance (2). Last evaluated 2025-01-08.

Conditions:
Rolandic epilepsy, impaired intellectual development, and speech dyspraxia, X-linked. Also called: Rolandic epilepsy, impaired intellectual development, and speech dyspraxia; Rolandic epilepsy, intellectual disability, and speech dyspraxia, X-linked. Identifiers: MedGen C1845070, MONDO:0010388, OMIM 300643.

Allele frequency attached by ClinVar (database versions not stated): TOPMed below 0.00001; gnomAD exomes below 0.00001.
gnomAD v4.1: 4 of 1,209,946 alleles (0.00033%); highest among the groups gnomAD compares: Non-Finnish European, 0.00045%; no homozygotes.

Submissions (2):

Ambry Genetics
Classification: Uncertain significance. Last evaluated: 2025-01-08. Review status: criteria provided, single submitter. Criteria: Ambry Variant Classification Scheme 2023. Collection method: clinical testing. Allele origin: germline.

Labcorp Genetics (formerly Invitae), Labcorp
Classification: Uncertain significance for Rolandic epilepsy, impaired intellectual development, and speech dyspraxia, X-linked. Last evaluated: 2020-08-20. Review status: criteria provided, single submitter. Criteria: Invitae Variant Classification Sherloc (09022015). Collection method: clinical testing. Allele origin: germline.
Comment: This sequence change replaces threonine with alanine at codon 377 of the SRPX2 protein (p.Thr377Ala). The threonine residue is highly conserved and there is a small physicochemical difference between threonine and alanine. This variant is not present in population databases (ExAC no frequency). This variant has not been reported in the literature in individuals with SRPX2-related conditions. Algorithms developed to predict the effect of missense changes on protein structure and function are either unavailable or do not agree on the potential impact of this missense change (SIFT: "Tolerated"; PolyPhen-2: "Possibly Damaging"; Align-GVGD: "Class C0"). In summary, the available evidence is currently insufficient to determine the role of this variant in disease. Therefore, it has been classified as a Variant of Uncertain Significance.